The following is an entry in ClinVar:

NM_030665.4(RAI1):c.4346G>A (p.Arg1449Gln)

Gene: RAI1 (retinoic acid induced 1; plus strand). Cytogenetic location: 17p11.2.
Variant type: single nucleotide variant.
Coding change: c.4346G>A on transcript NM_030665.4 (MANE Select); coding-DNA position 4346, G replaced by A.
Protein change: p.Arg1449Gln; replaces arginine 1449 with glutamine.
Molecular consequence: missense variant.
Genome position (GRCh38, 1-based): chr17:17,797,294, G>A. VCF-style: chr17-17797294-G-A. GRCh37 (hg19) VCF-style: chr17-17700608-G-A.
Other names: short protein forms R1449Q.
Identifiers: ClinVar variation 1406607 (VCV001406607.13), dbSNP rs571438309, ClinGen allele CA8418944.

ClinVar aggregate classification (germline): Likely benign. Review status: criteria provided, multiple submitters, no conflicts (2 of 4 stars). 3 submissions from 3 submitters: Likely benign (3). Last evaluated 2026-07-30.

Conditions:
Inborn genetic diseases. Identifiers: MedGen C0950123, MeSH D030342.
RAI1-related disorder. Also called: RAI1-related condition.

Allele frequency attached by ClinVar (database versions not stated): ExAC 0.00002; gnomAD exomes 0.00002; gnomAD 0.00006 and 0.00007; TOPMed 0.00008.
gnomAD v4.1: 39 of 1,612,742 alleles (0.0024%); highest among the groups gnomAD compares: Admixed American, 0.0083%; no homozygotes.

Submissions (3):

PreventionGenetics, part of Exact Sciences
Classification: Likely benign for RAI1-related condition. Last evaluated: 2026-07-30. Review status: criteria provided, single submitter. Criteria: ACMG Guidelines, 2015. Collection method: clinical testing. Allele origin: germline.
Comment: This variant is classified as likely benign based on ACMG/AMP sequence variant interpretation guidelines (Richards et al. 2015 PMID: 25741868, with internal and published modifications).

Ambry Genetics
Classification: Likely benign for Inborn genetic diseases. Last evaluated: 2026-02-12. Review status: criteria provided, single submitter. Criteria: Ambry Variant Classification Scheme 2023. Collection method: clinical testing. Allele origin: germline.

Labcorp Genetics (formerly Invitae), Labcorp
Classification: Likely benign. Last evaluated: 2025-11-08. Review status: criteria provided, single submitter. Criteria: Invitae Variant Classification Sherloc (09022015). Collection method: clinical testing. Allele origin: germline.